The following is an entry in ClinVar:

ClinVar aggregate classification (germline): Benign. Review status: criteria provided, multiple submitters, no conflicts (2 of 4 stars). 13 submissions from 13 submitters: Benign (9). 4 of the submissions do not count toward it. Last evaluated 2026-02-04.

Conditions:
Nemaline myopathy 2 (NEM2). Also called: Nemaline myopathy 2, autosomal recessive. Identifiers: MedGen C1850569, MONDO:0009725, OMIM 256030.

Allele frequency attached by ClinVar (database versions not stated): 1000 Genomes Project 30x 0.00531; 1000 Genomes Project 0.00579; TOPMed 0.01259; gnomAD exomes 0.01642; gnomAD 0.01652 and 0.01691; ESP Exome Variant Server 0.01744; ExAC 0.02641.
gnomAD v4.1: 34,434 of 1,595,150 alleles (2.2%); highest among the groups gnomAD compares: Non-Finnish European, 2.5%; 475 homozygotes.

Submissions (13):

Labcorp Genetics (formerly Invitae), Labcorp
Classification: Benign for Nemaline myopathy 2. Last evaluated: 2026-02-04. Review status: criteria provided, single submitter. Criteria: Invitae Variant Classification Sherloc (09022015). Collection method: clinical testing. Allele origin: germline.

Athena Diagnostics
Classification: Benign. Last evaluated: 2021-03-11. Review status: criteria provided, single submitter. Criteria: Athena Diagnostics criteria. Collection method: clinical testing. Allele origin: unknown.

Women's Health and Genetics/Laboratory Corporation of America, LabCorp
Classification: Benign. Last evaluated: 2020-02-15. Review status: criteria provided, single submitter. Criteria: LabCorp Variant Classification Summary - May 2015. Collection method: clinical testing. Allele origin: germline.
Comment: Variant summary: NEB c.21961G>A (p.Asp7321Asn) results in a conservative amino acid change in the encoded protein sequence. Three of five in-silico tools predict a damaging effect of the variant on protein function. The variant allele was found at a frequency of 0.016 in 221556 control chromosomes in the gnomAD database, including 40 homozygotes. The observed variant frequency is approximately 4.6 fold of the estimated maximal expected allele frequency for a pathogenic variant in NEB causing Nemaline Myopathy 2 phenotype (0.0035), strongly suggesting that the variant is benign. To our knowledge, no occurrence of c.21961G>A in individuals affected with Nemaline Myopathy 2 and no experimental evidence demonstrating its impact on protein function have been reported. Five clinical diagnostic laboratories have submitted clinical-significance assessments for this variant to ClinVar after 2014 without evidence for independent evaluation. All laboratories classified the variant as benign (n=4)/likely benign(n=1). Based on the evidence outlined above, the variant was classified as benign.

Mayo Clinic Laboratories, Mayo Clinic
Classification: Benign. Last evaluated: 2018-02-01. Review status: criteria provided, single submitter. Criteria: ACMG Guidelines, 2015. Collection method: clinical testing. Allele origin: germline. Observed: 23 variant alleles.

Illumina Laboratory Services, Illumina
Classification: Benign for Nemaline myopathy 2. Last evaluated: 2018-01-13. Review status: criteria provided, single submitter. Criteria: ICSL Variant Classification Criteria 13 December 2019. Collection method: clinical testing. Allele origin: germline.
Comment: This variant was observed in the ICSL laboratory as part of a predisposition screen in an ostensibly healthy population. It had not been previously curated by ICSL or reported in the Human Gene Mutation Database (HGMD: prior to June 1st, 2018), and was therefore a candidate for classification through an automated scoring system. Utilizing variant allele frequency, disease prevalence and penetrance estimates, and inheritance mode, an automated score was calculated to assess if this variant is too frequent to cause the disease. Based on the score and internal cut-off values, a variant classified as benign is not then subjected to further curation. The score for this variant resulted in a classification of benign for this disease.

PreventionGenetics, part of Exact Sciences
Classification: Benign. Last evaluated: 2016-02-09. Review status: criteria provided, single submitter. Criteria: ACMG Guidelines, 2015. Collection method: clinical testing. Allele origin: germline.

GeneDx
Classification: Benign. Last evaluated: 2016-01-27. Review status: criteria provided, single submitter. Criteria: GeneDx Variant Classification (06012015). Collection method: clinical testing. Allele origin: germline. Affected: yes.
Comment: This variant is considered likely benign or benign based on one or more of the following criteria: it is a conservative change, it occurs at a poorly conserved position in the protein, it is predicted to be benign by multiple in silico algorithms, and/or has population frequency not consistent with disease.

Laboratory for Molecular Medicine, Mass General Brigham Personalized Medicine
Classification: Benign. Last evaluated: 2015-01-13. Review status: criteria provided, single submitter. Criteria: LMM Criteria. Collection method: clinical testing. Allele origin: germline. Observed: 2 variant alleles.
Comment: p.Asp7321Asn in exon 149 of NEB: This variant is not expected to have clinical s ignificance because it has been identified in 2.4% (196/8230) of European Americ an chromosomes from a broad population by the NHLBI Exome Sequencing Project (dbSNP rs35625617).

Breakthrough Genomics
Classification: Benign. Review status: criteria provided, single submitter. Criteria: ACMG Guidelines, 2015. Collection method: not provided. Allele origin: germline. Inheritance: Autosomal recessive inheritance. Affected: yes.

Natera, Inc.
Classification: Benign for Nemaline myopathy type 2. Last evaluated: 2020-09-16. Review status: no assertion criteria provided. Collection method: clinical testing. Allele origin: germline. Not counted in ClinVar's aggregate classification.

Genetic Services Laboratory, University of Chicago
Classification: Likely benign for AllHighlyPenetrant. Review status: no assertion criteria provided. Collection method: clinical testing. Allele origin: germline. Inheritance: Autosomal recessive inheritance. Not counted in ClinVar's aggregate classification.
Comment: Likely benign based on allele frequency in 1000 Genomes Project or ESP global frequency and its presence in a patient with a rare or unrelated disease phenotype. NOT Sanger confirmed.

Genome Diagnostics Laboratory, University Medical Center Utrecht
Classification: Benign. Review status: no assertion criteria provided. Collection method: clinical testing. Allele origin: germline. Affected: yes. Study: VKGL Data-share Consensus. Not counted in ClinVar's aggregate classification.

Laboratory of Diagnostic Genome Analysis, Leiden University Medical Center (LUMC)
Classification: Likely benign. Review status: no assertion criteria provided. Collection method: clinical testing. Allele origin: germline. Affected: yes. Study: VKGL Data-share Consensus. Not counted in ClinVar's aggregate classification.

Literature cited by the submitters: PubMed 29947179 (cited by Athena Diagnostics); PubMed 25332755 (cited by Athena Diagnostics).

NM_001164508.2(NEB):c.21856G>A (p.Asp7286Asn)

Genes: NEB (nebulin; minus strand), RIF1 (replication timing regulatory factor 1; plus strand). Cytogenetic location: 2q23.3.
Variant type: single nucleotide variant.
Coding change: c.21856G>A on transcript NM_001164508.2 (MANE Select); coding-DNA position 21856, G replaced by A.
Protein change: p.Asp7286Asn; replaces aspartic acid 7286 with asparagine.
Molecular consequence: missense variant.
Genome position (GRCh38, 1-based): chr2:151,527,007, C>T on the plus strand (G>A on the coding strand, the complement: NEB is on the minus strand). VCF-style: chr2-151527007-C-T. GRCh37 (hg19) VCF-style: chr2-152383521-C-T.
Other names: c.21856G>A, p.Asp7286Asn (NM_001164507.2); c.21961G>A, p.Asp7321Asn (NM_001271208.2); c.16753G>A, p.Asp5585Asn (NM_004543.5); short protein forms D7321N, D5585N, D7286N.
Identifiers: ClinVar variation 129728 (VCV000129728.31), dbSNP rs35625617, ClinGen allele CA153948.
Genomic context (GRCh38, chr2:151,527,007, plus strand): 5'-CGAGCACCGTGTTTTTGTCATCAGTGACAGAAAGCTTGCAACCCTTGAGGAACTCCCGGT[C>T]CAGCTTATATTCAAACTGTGATAGAAGAAAGGCAGAAGAAAAGGGAAGGGTGACAGCACA-3'
Protein context (NP_001157980.2, residues 7276-7296): LQQSDFEYKL[Asp7286Asn]REFLKGCKLS